The following is an entry in ClinVar:

NM_005120.3(MED12):c.5887A>G (p.Met1963Val)

Gene: MED12 (mediator complex subunit 12; plus strand). Cytogenetic location: Xq13.1.
Variant type: single nucleotide variant.
Coding change: c.5887A>G on transcript NM_005120.3 (MANE Select); coding-DNA position 5887, A replaced by G.
Protein change: p.Met1963Val; replaces methionine 1963 with valine.
Molecular consequence: missense variant.
Genome position (GRCh38, 1-based): chrX:71,137,786, A>G. VCF-style: chrX-71137786-A-G. GRCh37 (hg19) VCF-style: chrX-70357636-A-G.
Other names: short protein forms M1963V.
Identifiers: ClinVar variation 2628419 (VCV002628419.2), dbSNP rs2519715502, ClinGen allele CA413539162.

ClinVar aggregate classification (germline): Uncertain significance. Review status: criteria provided, multiple submitters, no conflicts (2 of 4 stars). 2 submissions from 2 submitters: Uncertain significance (2). Last evaluated 2024-03-18.

Conditions:
MED12-Related Disorders. Also called: MED12-related disorder; MED12-related condition. Identifiers: MedGen CN381102.

Submissions (2):

Blueprint Genetics
Classification: Uncertain significance. Last evaluated: 2024-03-18. Review status: criteria provided, single submitter. Criteria: ACMG Guidelines, 2015. Collection method: clinical testing. Allele origin: germline.

PreventionGenetics, part of Exact Sciences
Classification: Uncertain significance for MED12-related condition. Last evaluated: 2022-10-04. Review status: criteria provided, single submitter. Criteria: ACMG Guidelines, 2015. Collection method: clinical testing. Allele origin: germline.
Comment: The MED12 c.5887A>G variant is predicted to result in the amino acid substitution p.Met1963Val. To our knowledge, this variant has not been reported in the literature or in a large population database, indicating this variant is rare. At this time, the clinical significance of this variant is uncertain due to the absence of conclusive functional and genetic evidence.